The following is an entry in ClinVar:

ClinVar aggregate classification (germline): Uncertain significance (1 of 4 stars; one submission).

Conditions:
Menkes kinky-hair syndrome (MNK). Also called: Copper transport disease; Menkes Disease; Classic Menkes Disease. Identifiers: Orphanet 565, MedGen C0022716, MONDO:0010651, OMIM 309400.
Cutis laxa, X-linked (OHS). Also called: EDS IX; Occipital horn syndrome. Identifiers: Orphanet 198, MedGen C0268353, MONDO:0010572, OMIM 304150.
X-linked distal spinal muscular atrophy type 3. Also called: ATP7A-Related Distal Motor Neuropathy; SPINAL MUSCULAR ATROPHY, DISTAL, X-LINKED RECESSIVE; NEURONOPATHY, DISTAL HEREDITARY MOTOR, X-LINKED; NEUROPATHY, DISTAL HEREDITARY MOTOR, X-LINKED. Identifiers: Orphanet 139557, MedGen C1845359, MONDO:0010338, OMIM 300489.

Submission:

Labcorp Genetics (formerly Invitae), Labcorp
Classification: Uncertain significance for X-linked distal spinal muscular atrophy type 3; Cutis laxa, X-linked; Menkes kinky-hair syndrome. Last evaluated: 2023-05-03. Review status: criteria provided, single submitter. Criteria: Invitae Variant Classification Sherloc (09022015). Collection method: clinical testing. Allele origin: germline.
Comment: Advanced modeling of protein sequence and biophysical properties (such as structural, functional, and spatial information, amino acid conservation, physicochemical variation, residue mobility, and thermodynamic stability) performed at Invitae indicates that this missense variant is not expected to disrupt ATP7A protein function. This variant has not been reported in the literature in individuals affected with ATP7A-related conditions. This variant is not present in population databases (gnomAD no frequency). This sequence change replaces alanine, which is neutral and non-polar, with threonine, which is neutral and polar, at codon 744 of the ATP7A protein (p.Ala744Thr). In summary, the available evidence is currently insufficient to determine the role of this variant in disease. Therefore, it has been classified as a Variant of Uncertain Significance.

NM_000052.7(ATP7A):c.2230G>A (p.Ala744Thr)

Gene: ATP7A (ATPase copper transporting alpha; plus strand). Cytogenetic location: Xq21.1.
Variant type: single nucleotide variant.
Coding change: c.2230G>A on transcript NM_000052.7 (MANE Select); coding-DNA position 2230, G replaced by A.
Protein change: p.Ala744Thr; replaces alanine 744 with threonine.
Molecular consequence: missense variant. On other transcripts: intron variant (1).
Genome position (GRCh38, 1-based): chrX:78,012,936, G>A. VCF-style: chrX-78012936-G-A. GRCh37 (hg19) VCF-style: chrX-77268433-G-A.
Other names: c.2172+1262G>A (NM_001282224.2); short protein forms A744T.
Identifiers: ClinVar variation 2947449 (VCV002947449.3), dbSNP rs2522354556, ClinGen allele CA413598760.
Genomic context (GRCh38, chrX:78,012,936, plus strand): 5'-CAGTTTTTCGGAGGCTGGTACTTCTACATTCAGGCTTATAAAGCACTGAAGCATAAGACA[G>A]CAAATATGGACGTACTGATTGTGCTGGCAACCACCATTGCATTTGCCTACTCTTTGATTA-3'
Protein context (NP_000043.4, residues 734-754): QAYKALKHKT[Ala744Thr]NMDVLIVLAT